The following is an entry in ClinVar:

NM_020921.4(NIN):c.388G>C (p.Asp130His)

Gene: NIN (ninein; minus strand). Cytogenetic location: 14q22.1.
Variant type: single nucleotide variant.
Coding change: c.388G>C on transcript NM_020921.4 (MANE Select); coding-DNA position 388, G replaced by C.
Protein change: p.Asp130His; replaces aspartic acid 130 with histidine.
Molecular consequence: missense variant.
Genome position (GRCh38, 1-based): chr14:50,792,759, C>G on the plus strand (G>C on the coding strand, the complement: NIN is on the minus strand). VCF-style: chr14-50792759-C-G. GRCh37 (hg19) VCF-style: chr14-51259477-C-G.
Other names: c.388G>C, p.Asp130His (NM_016350.5, NM_182944.3, NM_182946.2); short protein forms D130H.
Identifiers: ClinVar variation 3715296 (VCV003715296.2).

ClinVar aggregate classification (germline): Uncertain significance (1 of 4 stars; one submission).

gnomAD v4.1: 43 of 1,614,064 alleles (0.0027%); highest among the groups gnomAD compares: Non-Finnish European, 0.0033%; no homozygotes.

Submission:

Labcorp Genetics (formerly Invitae), Labcorp
Classification: Uncertain significance. Last evaluated: 2024-05-28. Review status: criteria provided, single submitter. Criteria: Invitae Variant Classification Sherloc (09022015). Collection method: clinical testing. Allele origin: germline.
Comment: This sequence change replaces aspartic acid, which is acidic and polar, with histidine, which is basic and polar, at codon 130 of the NIN protein (p.Asp130His). This variant is present in population databases (rs772868414, gnomAD 0.005%). This variant has not been reported in the literature in individuals affected with NIN-related conditions. An algorithm developed to predict the effect of missense changes on protein structure and function (PolyPhen-2) suggests that this variant is likely to be disruptive. In summary, the available evidence is currently insufficient to determine the role of this variant in disease. Therefore, it has been classified as a Variant of Uncertain Significance.